The following is an entry in ClinVar:

NM_024334.3(TMEM43):c.203T>C (p.Leu68Pro)

Gene: TMEM43 (transmembrane protein 43; plus strand). Cytogenetic location: 3p25.1.
Variant type: single nucleotide variant.
Coding change: c.203T>C on transcript NM_024334.3 (MANE Select); coding-DNA position 203, T replaced by C.
Protein change: p.Leu68Pro; replaces leucine 68 with proline.
Molecular consequence: missense variant.
Genome position (GRCh38, 1-based): chr3:14,130,862, T>C. VCF-style: chr3-14130862-T-C. GRCh37 (hg19) VCF-style: chr3-14172362-T-C.
Other names: short protein forms L68P.
Identifiers: ClinVar variation 534754 (VCV000534754.1), dbSNP rs1553602940, ClinGen allele CA351534562.

ClinVar aggregate classification (germline): Uncertain significance (1 of 4 stars; one submission).

Conditions:
Arrhythmogenic right ventricular dysplasia 5. Also called: Arrhythmogenic Right Ventricular Dysplasia/Cardiomyopathy 5; ARRHYTHMOGENIC RIGHT VENTRICULAR DYSPLASIA, FAMILIAL, 5. Identifiers: MedGen C1858379, MONDO:0011459, OMIM 604400.

Allele frequency attached by ClinVar (database versions not stated): gnomAD exomes below 0.00001.

Submission:

Labcorp Genetics (formerly Invitae), Labcorp
Classification: Uncertain significance for Arrhythmogenic right ventricular dysplasia 5. Last evaluated: 2017-11-29. Review status: criteria provided, single submitter. Criteria: Invitae Variant Classification Sherloc (09022015). Collection method: clinical testing. Allele origin: germline.
Comment: This sequence change replaces leucine with proline at codon 68 of the TMEM43 protein (p.Leu68Pro). The leucine residue is moderately conserved and there is a moderate physicochemical difference between leucine and proline. This variant is not present in population databases (ExAC no frequency). This variant has not been reported in the literature in individuals with TMEM43-related disease. Algorithms developed to predict the effect of missense changes on protein structure and function do not agree on the potential impact of this missense change (SIFT: "Deleterious"; PolyPhen-2: "Probably Damaging"; Align-GVGD: "Class C0"). In summary, the available evidence is currently insufficient to determine the role of this variant in disease. Therefore, it has been classified as a Variant of Uncertain Significance.